The following is an entry in ClinVar:

ClinVar aggregate classification (germline): Uncertain significance (1 of 4 stars; one submission).

Allele frequency attached by ClinVar (database versions not stated): TOPMed below 0.00001; gnomAD 0.00001.
gnomAD v4.1: 1 of 1,614,046 alleles (0.000062%); highest among the groups gnomAD compares: Non-Finnish European, 0.000085%; no homozygotes.

Submission:

GeneDx
Classification: Uncertain significance. Last evaluated: 2019-11-26. Review status: criteria provided, single submitter. Criteria: GeneDx Variant Classification Process June 2021. Collection method: clinical testing. Allele origin: germline. Affected: yes.
Comment: Not observed in large population cohorts (Lek et al., 2016); In silico analysis, which includes protein predictors and evolutionary conservation, supports a deleterious effect; Has not been previously published as pathogenic or benign to our knowledge

NM_004456.5(EZH2):c.2118G>A (p.Met706Ile)

Gene: EZH2 (enhancer of zeste 2 polycomb repressive complex 2 subunit; minus strand). Cytogenetic location: 7q36.1.
Variant type: single nucleotide variant.
Coding change: c.2118G>A on transcript NM_004456.5 (MANE Select); coding-DNA position 2118, G replaced by A.
Protein change: p.Met706Ile; replaces methionine 706 with isoleucine.
Molecular consequence: missense variant.
Genome position (GRCh38, 1-based): chr7:148,809,148, C>T on the plus strand (G>A on the coding strand, the complement: EZH2 is on the minus strand). VCF-style: chr7-148809148-C-T. GRCh37 (hg19) VCF-style: chr7-148506240-C-T.
Other names: c.2103G>A, p.Met701Ile (NM_001203247.2); c.2076G>A, p.Met692Ile (NM_001203248.2); c.1950G>A, p.Met650Ile (NM_001203249.2); c.1986G>A, p.Met662Ile (NM_152998.3); short protein forms M650I, M662I, M692I, M701I, M706I.
Identifiers: ClinVar variation 1310707 (VCV001310707.2), dbSNP rs1395843139, ClinGen allele CA369712063.
Genomic context (GRCh38, chr7:148,809,148, plus strand): 5'-CTCTTCGCCAGTCTGGATGGCTCTCTTGGCAAAAATACCTATCCTGTGATCACCGTTAAC[C>T]ATCATAACTGCAAAGAGACACACTGGTGTCAGTGAGCATGAAGACGGGCCACGGGGGGTT-3'
Protein context (NP_004447.2, residues 696-716): VNPNCYAKVM[Met706Ile]VNGDHRIGIF